The following is an entry in ClinVar:

NM_000219.6(KCNE1):c.262C>A (p.Gln88Lys)

Gene: KCNE1 (potassium voltage-gated channel subfamily E regulatory subunit 1; minus strand). Cytogenetic location: 21q22.12.
Variant type: single nucleotide variant.
Coding change: c.262C>A on transcript NM_000219.6 (MANE Select); coding-DNA position 262, C replaced by A.
Protein change: p.Gln88Lys; replaces glutamine 88 with lysine.
Molecular consequence: missense variant.
Genome position (GRCh38, 1-based): chr21:34,449,373, G>T on the plus strand (C>A on the coding strand, the complement: KCNE1 is on the minus strand). VCF-style: chr21-34449373-G-T. GRCh37 (hg19) VCF-style: chr21-35821671-G-T.
Other names: c.262C>A, p.Gln88Lys (NM_001127668.4, NM_001127669.4, NM_001127670.4 and 4 more transcripts); short protein forms Q88K.
Identifiers: ClinVar variation 3374471 (VCV003374471.2).

Conditions:
Long QT syndrome 5 (LQT5). Identifiers: Orphanet 101016, Orphanet 768, MedGen C1867904, MONDO:0013372, OMIM 613695.

Submission:

Roden Lab, Vanderbilt University Medical Center
No classification provided (evidence only). Condition: Long QT syndrome 5. Review status: no classification provided. Collection method: in vitro. Allele origin: not applicable. Functional consequence: Effect on ion channel function.
ClinVar note: "not provided" was previously submitted as the classification for the variant. However, the classification appeared to be based only on an observation of functional data so it was converted to no classification on 2025-07-30.